The following is an entry in ClinVar:

NM_002972.4(SBF1):c.2925G>C (p.Gln975His)

Gene: SBF1 (SET binding factor 1; minus strand). Cytogenetic location: 22q13.33.
Variant type: single nucleotide variant.
Coding change: c.2925G>C on transcript NM_002972.4 (MANE Select); coding-DNA position 2925, G replaced by C.
Protein change: p.Gln975His; replaces glutamine 975 with histidine.
Molecular consequence: missense variant.
Genome position (GRCh38, 1-based): chr22:50,461,201, C>G on the plus strand (G>C on the coding strand, the complement: SBF1 is on the minus strand). VCF-style: chr22-50461201-C-G. GRCh37 (hg19) VCF-style: chr22-50899630-C-G.
Other names: c.2928G>C, p.Gln976His (NM_001365819.1, NM_001410794.1); c.2925G>C, p.Gln975His (NM_001410795.1, NM_197971.1); short protein forms Q976H, Q975H.
Identifiers: ClinVar variation 1956726 (VCV001956726.5), dbSNP rs372582556, ClinGen allele CA325532206.

ClinVar aggregate classification (germline): Uncertain significance (1 of 4 stars; one submission).

Submission:

Labcorp Genetics (formerly Invitae), Labcorp
Classification: Uncertain significance. Last evaluated: 2022-08-21. Review status: criteria provided, single submitter. Criteria: Invitae Variant Classification Sherloc (09022015). Collection method: clinical testing. Allele origin: germline.
Comment: Algorithms developed to predict the effect of missense changes on protein structure and function are either unavailable or do not agree on the potential impact of this missense change (SIFT: "Deleterious"; PolyPhen-2: "Possibly Damaging"; Align-GVGD: "Class C0"). In summary, the available evidence is currently insufficient to determine the role of this variant in disease. Therefore, it has been classified as a Variant of Uncertain Significance. This sequence change replaces glutamine, which is neutral and polar, with histidine, which is basic and polar, at codon 975 of the SBF1 protein (p.Gln975His). This variant is not present in population databases (gnomAD no frequency). This variant has not been reported in the literature in individuals affected with SBF1-related conditions.